The following is an entry in ClinVar:

NM_001349.4(DARS1):c.10GCCAGC[3] (p.4AS[3])

Genes: DARS1 (aspartyl-tRNA synthetase 1; minus strand), DARS1-AS1 (DARS1 antisense RNA 1; plus strand), LOC129934843 (ATAC-STARR-seq lymphoblastoid active region 16580; plus strand). Cytogenetic location: 2q21.3.
Variant type: Microsatellite.
Coding change: c.10GCCAGC[3] on transcript NM_001349.4 (MANE Select); three copies in a row of the 6-base unit GCCAGC starting at c.10; the reference has two copies in a row; one copy, 6 bases duplicated.
Protein change: p.4AS[3].
Molecular consequence: inframe insertion. On other transcripts: non-coding transcript variant (2), 5 prime UTR variant (1).
Genome position (GRCh38, 1-based): chr2:135,985,448-135,985,453, GCTGGC duplicated on the plus strand (GCCAGC on the coding strand, the reverse complement: DARS1 is on the minus strand); duplicating any 6 consecutive bases within chr2:135,985,448-135,985,464 gives the same sequence; the position shown is the placement nearest the transcript's 3' end. VCF-style (leftmost placement, unchanged base first): chr2-135985447-G-GGCTGGC. GRCh37 (hg19) VCF-style: chr2-136743017-G-GGCTGGC.
Other names: c.-233GCCAGC[3] (NM_001293312.1).
Identifiers: ClinVar variation 808803 (VCV000808803.48), dbSNP rs551090724, ClinGen allele CA1889981.

ClinVar aggregate classification (germline): Likely benign. Review status: criteria provided, multiple submitters, no conflicts (2 of 4 stars). 2 submissions from 2 submitters: Likely benign (2). Last evaluated 2026-02-01.

Submissions (2):

CeGaT Center for Human Genetics Tuebingen
Classification: Likely benign. Last evaluated: 2026-02-01. Review status: criteria provided, single submitter. Criteria: CeGaT Center For Human Genetics Tuebingen Variant Classification Criteria Version 2. Collection method: clinical testing. Allele origin: germline. Affected: yes. Observed: 2 variant alleles.
Comment: DARS1: PM4, BS2

Labcorp Genetics (formerly Invitae), Labcorp
Classification: Likely benign. Last evaluated: 2025-07-07. Review status: criteria provided, single submitter. Criteria: Invitae Variant Classification Sherloc (09022015). Collection method: clinical testing. Allele origin: germline.